The following is an entry in ClinVar:

NM_022081.6(HPS4):c.1295A>C (p.Glu432Ala)

Gene: HPS4 (HPS4 biogenesis of lysosomal organelles complex 3 subunit 2; minus strand). Cytogenetic location: 22q12.1.
Variant type: single nucleotide variant.
Coding change: c.1295A>C on transcript NM_022081.6 (MANE Select); coding-DNA position 1295, A replaced by C.
Protein change: p.Glu432Ala; replaces glutamic acid 432 with alanine.
Molecular consequence: missense variant. On other transcripts: non-coding transcript variant (8).
Genome position (GRCh38, 1-based): chr22:26,464,335, T>G on the plus strand (A>C on the coding strand, the complement: HPS4 is on the minus strand). VCF-style: chr22-26464335-T-G. GRCh37 (hg19) VCF-style: chr22-26860301-T-G.
Other names: c.1295A>C, p.Glu432Ala (NM_001349896.1, NM_001349898.2, NM_001349899.2 and 5 more transcripts); c.1349A>C, p.Glu450Ala (NM_001349900.2, NM_001349901.1); c.1280A>C, p.Glu427Ala (NM_152841.2); short protein forms E427A, E432A, E450A.
Identifiers: ClinVar variation 1967274 (VCV001967274.4), dbSNP rs779849991, ClinGen allele CA10163354.
Genomic context (GRCh38, chr22:26,464,335, plus strand): 5'-TGGCTGCTATGGCCAGGATGGTCTTCGAGCTGCTCTTGGGCTCCATGCTGGGTCAGCATC[T>G]CAGGAGCAGAGGGAGGGCGCAAGCTGCTGATGGCTGTGTCCTCAGGAGGCGTGGGTTCCA-3'
Protein context (NP_071364.4, residues 422-442): ISSLRPPSAP[Glu432Ala]MLTQHGAQEQ

ClinVar aggregate classification (germline): Uncertain significance (1 of 4 stars; one submission).

Allele frequency attached by ClinVar (database versions not stated): gnomAD exomes below 0.00001; ExAC 0.00001.
gnomAD v4.1: 4 of 1,614,094 alleles (0.00025%); highest among the groups gnomAD compares: Non-Finnish European, 0.00034%; no homozygotes.

Submission:

Labcorp Genetics (formerly Invitae), Labcorp
Classification: Uncertain significance. Last evaluated: 2023-07-17. Review status: criteria provided, single submitter. Criteria: Invitae Variant Classification Sherloc (09022015). Collection method: clinical testing. Allele origin: germline.
Comment: In summary, the available evidence is currently insufficient to determine the role of this variant in disease. Therefore, it has been classified as a Variant of Uncertain Significance. An algorithm developed to predict the effect of missense changes on protein structure and function (PolyPhen-2) suggests that this variant is likely to be disruptive. ClinVar contains an entry for this variant (Variation ID: 1967274). This variant has not been reported in the literature in individuals affected with HPS4-related conditions. This variant is not present in population databases (gnomAD no frequency). This sequence change replaces glutamic acid, which is acidic and polar, with alanine, which is neutral and non-polar, at codon 432 of the HPS4 protein (p.Glu432Ala).